The following is an entry in ClinVar:

NM_017763.6(RNF43):c.556A>G (p.Ile186Val)

Gene: RNF43 (ring finger protein 43; minus strand). Cytogenetic location: 17q22.
Variant type: single nucleotide variant.
Coding change: c.556A>G on transcript NM_017763.6 (MANE Select); coding-DNA position 556, A replaced by G.
Protein change: p.Ile186Val; replaces isoleucine 186 with valine.
Molecular consequence: missense variant.
Genome position (GRCh38, 1-based): chr17:58,363,301, T>C on the plus strand (A>G on the coding strand, the complement: RNF43 is on the minus strand). VCF-style: chr17-58363301-T-C. GRCh37 (hg19) VCF-style: chr17-56440662-T-C.
Other names: c.556A>G, p.Ile186Val (NM_001305544.3); c.175A>G, p.Ile59Val (NM_001305545.2); short protein forms I186V, I59V.
Identifiers: ClinVar variation 3789864 (VCV003789864.1).
Genomic context (GRCh38, chr17:58,363,301, plus strand): 5'-TGCAGGGCAAGGTCTGGAGGTCTAGTGTGCTTACCCAGGCCGGGGGCTCCTTCAGCTCAA[T>C]CCTCACATGGGCCTTTTGGTTCTTGTACACAAACTCCATCAGCTTCTCAGCGTCATTACC-3'
Protein context (NP_060233.3, residues 176-196): VYKNQKAHVR[Ile186Val]ELKEPPAWPD

ClinVar aggregate classification (germline): Uncertain significance (1 of 4 stars; one submission).

Submission:

Ambry Genetics
Classification: Uncertain significance. Last evaluated: 2024-12-22. Review status: criteria provided, single submitter. Criteria: Ambry Variant Classification Scheme 2023. Collection method: clinical testing. Allele origin: germline.
Comment: The p.I186V variant (also known as c.556A>G), located in coding exon 4 of the RNF43 gene, results from an A to G substitution at nucleotide position 556. The isoleucine at codon 186 is replaced by valine, an amino acid with highly similar properties. This amino acid position is conserved. In addition, this alteration is predicted to be tolerated by in silico analysis. Based on the available evidence, the clinical significance of this variant remains unclear.